The following is an entry in ClinVar:

NM_004304.5(ALK):c.1519A>C (p.Lys507Gln)

Gene: ALK (ALK receptor tyrosine kinase; minus strand). Cytogenetic location: 2p23.2.
Variant type: single nucleotide variant.
Coding change: c.1519A>C on transcript NM_004304.5 (MANE Select); coding-DNA position 1519, A replaced by C.
Protein change: p.Lys507Gln; replaces lysine 507 with glutamine.
Molecular consequence: missense variant.
Genome position (GRCh38, 1-based): chr2:29,320,778, T>G on the plus strand (A>C on the coding strand, the complement: ALK is on the minus strand). VCF-style: chr2-29320778-T-G. GRCh37 (hg19) VCF-style: chr2-29543644-T-G.
Other names: short protein forms K507Q.
Identifiers: ClinVar variation 2133501 (VCV002133501.4), dbSNP rs2465435258, ClinGen allele CA346472284.

ClinVar aggregate classification (germline): Uncertain significance (1 of 4 stars; one submission).

Conditions:
Neuroblastoma, susceptibility to, 3. Also called: ALK-Related Neuroblastic Tumor Susceptibility. Identifiers: Orphanet 635, MedGen C2751681, MONDO:0013083, OMIM 613014.

Allele frequency attached by ClinVar (database versions not stated): gnomAD exomes below 0.00001.
gnomAD v4.1: 2 of 1,614,014 alleles (0.00012%); highest among the groups gnomAD compares: Non-Finnish European, 0.00017%; no homozygotes.

Submission:

Labcorp Genetics (formerly Invitae), Labcorp
Classification: Uncertain significance for Neuroblastoma, susceptibility to, 3. Last evaluated: 2022-05-04. Review status: criteria provided, single submitter. Criteria: Invitae Variant Classification Sherloc (09022015). Collection method: clinical testing. Allele origin: germline.
Comment: In summary, the available evidence is currently insufficient to determine the role of this variant in disease. Therefore, it has been classified as a Variant of Uncertain Significance. This sequence change replaces lysine, which is basic and polar, with glutamine, which is neutral and polar, at codon 507 of the ALK protein (p.Lys507Gln). This variant is not present in population databases (gnomAD no frequency). This variant has not been reported in the literature in individuals affected with ALK-related conditions. Algorithms developed to predict the effect of missense changes on protein structure and function (SIFT, PolyPhen-2, Align-GVGD) all suggest that this variant is likely to be tolerated.